The following is an entry in ClinVar:

ClinVar aggregate classification (germline): Conflicting classifications of pathogenicity. Review status: criteria provided, conflicting classifications (1 of 4 stars). 3 submissions from 3 submitters: Uncertain significance (2); Likely benign (1). Last evaluated 2025-10-15.

Conditions:
Inborn genetic diseases. Identifiers: MedGen C0950123, MeSH D030342.

Allele frequency attached by ClinVar (database versions not stated): gnomAD 0.00003; ESP Exome Variant Server 0.00008; gnomAD exomes 0.00008 and 0.00011; TOPMed 0.00011; ExAC 0.00014.
gnomAD v4.1: 127 of 1,613,986 alleles (0.0079%); highest among the groups gnomAD compares: Admixed American, 0.018%; no homozygotes.

Submissions (3):

Ambry Genetics
Classification: Uncertain significance for Inborn genetic diseases. Last evaluated: 2025-10-15. Review status: criteria provided, single submitter. Criteria: Ambry Variant Classification Scheme 2023. Collection method: clinical testing. Allele origin: germline.

Labcorp Genetics (formerly Invitae), Labcorp
Classification: Uncertain significance. Last evaluated: 2025-07-28. Review status: criteria provided, single submitter. Criteria: Invitae Variant Classification Sherloc (09022015). Collection method: clinical testing. Allele origin: germline.
Comment: This sequence change replaces serine, which is neutral and polar, with threonine, which is neutral and polar, at codon 450 of the TAB2 protein (p.Ser450Thr). This variant is present in population databases (rs141984528, gnomAD 0.02%). This variant has not been reported in the literature in individuals affected with TAB2-related conditions. ClinVar contains an entry for this variant (Variation ID: 1443448). Invitae Evidence Modeling of protein sequence and biophysical properties (such as structural, functional, and spatial information, amino acid conservation, physicochemical variation, residue mobility, and thermodynamic stability) indicates that this missense variant is not expected to disrupt TAB2 protein function with a negative predictive value of 80%. In summary, the available evidence is currently insufficient to determine the role of this variant in disease. Therefore, it has been classified as a Variant of Uncertain Significance.

Blueprint Genetics
Classification: Likely benign. Last evaluated: 2024-10-03. Review status: criteria provided, single submitter. Criteria: ACMG Guidelines, 2015. Collection method: clinical testing. Allele origin: germline.

NM_001292034.3(TAB2):c.1348T>A (p.Ser450Thr)

Genes: TAB2 (TGF-beta activated kinase 1 (MAP3K7) binding protein 2; plus strand), LOC126859827 (BRD4-independent group 4 enhancer GRCh37_chr6:149699707-149700906; plus strand). Cytogenetic location: 6q25.1.
Variant type: single nucleotide variant.
Coding change: c.1348T>A on transcript NM_001292034.3 (MANE Select); coding-DNA position 1348, T replaced by A.
Protein change: p.Ser450Thr; replaces serine 450 with threonine.
Molecular consequence: missense variant.
Genome position (GRCh38, 1-based): chr6:149,379,263, T>A. VCF-style: chr6-149379263-T-A. GRCh37 (hg19) VCF-style: chr6-149700399-T-A.
Other names: c.1252T>A, p.Ser418Thr (NM_001292035.3); c.1348T>A, p.Ser450Thr (NM_001369506.1, NM_015093.6); c.1348T>A (NM_015093.4); short protein forms S418T, S450T.
Identifiers: ClinVar variation 1443448 (VCV001443448.12), dbSNP rs141984528, ClinGen allele CA4041529.